The following is an entry in ClinVar:

ClinVar aggregate classification (germline): Uncertain significance. Review status: criteria provided, multiple submitters, no conflicts (2 of 4 stars). 3 submissions from 3 submitters: Uncertain significance (3). Last evaluated 2026-03-03.

Conditions:
CDH23-related disorder. Also called: CDH23-related disorders; CDH23-related condition.
Inborn genetic diseases. Identifiers: MedGen C0950123, MeSH D030342.

Allele frequency attached by ClinVar (database versions not stated): gnomAD exomes 0.00001; gnomAD 0.00002; ExAC 0.00003; TOPMed 0.00003.
gnomAD v4.1: 23 of 1,607,194 alleles (0.0014%); highest among the groups gnomAD compares: East Asian, 0.0045%; no homozygotes.

Submissions (3):

PreventionGenetics, part of Exact Sciences
Classification: Uncertain significance for CDH23-related condition. Last evaluated: 2026-03-03. Review status: criteria provided, single submitter. Criteria: ACMG Guidelines, 2015. Collection method: clinical testing. Allele origin: germline.
Comment: The CDH23 c.3028C>T variant is predicted to result in the amino acid substitution p.Arg1010Cys. To our knowledge, this variant has not been reported in the literature. This variant is reported in 0.0019% of alleles in individuals of European (Non-Finnish) descent in gnomAD. At this time, the clinical significance of this variant is uncertain due to the absence of conclusive functional and genetic evidence.

Ambry Genetics
Classification: Uncertain significance for Inborn genetic diseases. Last evaluated: 2024-03-07. Review status: criteria provided, single submitter. Criteria: Ambry Variant Classification Scheme 2023. Collection method: clinical testing. Allele origin: germline.

GeneDx
Classification: Uncertain significance. Last evaluated: 2023-06-01. Review status: criteria provided, single submitter. Criteria: GeneDx Variant Classification Process June 2021. Collection method: clinical testing. Allele origin: germline. Affected: yes.
Comment: Not observed at significant frequency in large population cohorts (gnomAD); In silico analysis supports that this missense variant has a deleterious effect on protein structure/function; Has not been previously published as pathogenic or benign to our knowledge

NM_022124.6(CDH23):c.3028C>T (p.Arg1010Cys)

Gene: CDH23 (cadherin related 23; plus strand). Cytogenetic location: 10q22.1.
Variant type: single nucleotide variant.
Coding change: c.3028C>T on transcript NM_022124.6 (MANE Select); coding-DNA position 3028, C replaced by T.
Protein change: p.Arg1010Cys; replaces arginine 1010 with cysteine.
Molecular consequence: missense variant.
Genome position (GRCh38, 1-based): chr10:71,706,971, C>T. VCF-style: chr10-71706971-C-T. GRCh37 (hg19) VCF-style: chr10-73466728-C-T.
Other names: c.3028C>T, p.Arg1010Cys (NM_001171930.2, NM_001171931.2); short protein forms R1010C.
Identifiers: ClinVar variation 3141205 (VCV003141205.3), dbSNP rs727505173, ClinGen allele CA5544425.